The following is an entry in ClinVar:

ClinVar aggregate classification (germline): Uncertain significance (0 of 4 stars; one submission).

Conditions:
TRIOBP-related disorder. Also called: TRIOBP-related condition.

Submission:

PreventionGenetics, part of Exact Sciences
Classification: Uncertain significance for TRIOBP-related condition. Last evaluated: 2024-08-21. Review status: no assertion criteria provided. Collection method: clinical testing. Allele origin: germline.
Comment: The TRIOBP c.32G>A variant is predicted to result in the amino acid substitution p.Arg11Gln. To our knowledge, this variant has not been reported in the literature or in a large population database, indicating this variant is rare. At this time, the clinical significance of this variant is uncertain due to the absence of conclusive functional and genetic evidence.

NM_001039141.3(TRIOBP):c.5322+5237G>A

Gene: TRIOBP (TRIO and F-actin binding protein; plus strand). Cytogenetic location: 22q13.1.
Variant type: single nucleotide variant.
Coding change: c.5322+5237G>A on transcript NM_001039141.3 (MANE Select); 5237 bases into the intron after coding-DNA position 5322, G replaced by A.
Molecular consequence: intron variant. On other transcripts: missense variant (2).
Genome position (GRCh38, 1-based): chr22:37,746,269, G>A. VCF-style: chr22-37746269-G-A. GRCh37 (hg19) VCF-style: chr22-38142276-G-A.
Other names: c.32G>A, p.Arg11Gln (NM_007032.5, NM_138632.2); short protein forms R11Q.
Identifiers: ClinVar variation 3345366 (VCV003345366.1).
Genomic context (GRCh38, chr22:37,746,269, plus strand): 5'-AAGTTTGAAAAAAAAAAAAAAAAAGTTTTATGGGCGGATGGAAGGGGCCGGGGCAGCGTC[G>A]GGGAAAGGAAGGGCCGGAGGCGCGGCGGCGGGCGGCCGAGAGGGGCGGCGGCGGCGGCGG-3'